The following is an entry in ClinVar:

NM_181882.3(PRX):c.2293G>A (p.Asp765Asn)

Gene: PRX (periaxin; minus strand). Cytogenetic location: 19q13.2.
Variant type: single nucleotide variant.
Coding change: c.2293G>A on transcript NM_181882.3 (MANE Select); coding-DNA position 2293, G replaced by A.
Protein change: p.Asp765Asn; replaces aspartic acid 765 with asparagine.
Molecular consequence: missense variant. On other transcripts: 3 prime UTR variant (1).
Genome position (GRCh38, 1-based): chr19:40,396,059, C>T on the plus strand (G>A on the coding strand, the complement: PRX is on the minus strand). VCF-style: chr19-40396059-C-T. GRCh37 (hg19) VCF-style: chr19-40901966-C-T.
Other names: c.*2498G>A (NM_020956.2); short protein forms D765N.
Identifiers: ClinVar variation 653608 (VCV000653608.10), dbSNP rs541455813, ClinGen allele CA9444082.
Genomic context (GRCh38, chr19:40,396,059, plus strand): 5'-TTAGCTGCACCTCCGGAGCCCTGGGCAGCTTCACCTCTGGTGCCTTCGGAAGATGCACGT[C>T]GGGAACCTTCGGCACTTGCATTTCCGGCAGCCGAATCTCTGACACTTTCGGCAGCTGCAC-3'
Protein context (NP_870998.2, residues 755-775): LPEMQVPKVP[Asp765Asn]VHLPKAPEVK

ClinVar aggregate classification (germline): Uncertain significance. Review status: criteria provided, multiple submitters, no conflicts (2 of 4 stars). 2 submissions from 2 submitters: Uncertain significance (2). Last evaluated 2026-01-22.

Conditions:
PRX-related disorder. Also called: PRX-related condition; PRX-Related Disorders.
Charcot-Marie-Tooth disease type 4. Also called: Charcot-Marie-Tooth, Type 4; Charcot-Marie-Tooth disease, type IV. Identifiers: Orphanet 64749, MedGen C4082197, MONDO:0018995.

Allele frequency attached by ClinVar (database versions not stated): TOPMed 0.00001; 1000 Genomes Project 30x 0.00016; 1000 Genomes Project 0.00020.
gnomAD v4.1: 17 of 1,614,152 alleles (0.0011%); highest among the groups gnomAD compares: Middle Eastern, 0.033%; no homozygotes.

Submissions (2):

PreventionGenetics, part of Exact Sciences
Classification: Uncertain significance for PRX-related condition. Last evaluated: 2026-01-22. Review status: criteria provided, single submitter. Criteria: ACMG Guidelines, 2015. Collection method: clinical testing. Allele origin: germline.
Comment: The PRX c.2293G>A variant is predicted to result in the amino acid substitution p.Asp765Asn. To our knowledge, this variant has not been reported in the literature. This variant is reported in 0.0065% of alleles in individuals of South Asian descent in gnomAD. At this time, the clinical significance of this variant is uncertain due to the absence of conclusive functional and genetic evidence.

Labcorp Genetics (formerly Invitae), Labcorp
Classification: Uncertain significance for Charcot-Marie-Tooth disease type 4. Last evaluated: 2022-07-19. Review status: criteria provided, single submitter. Criteria: Invitae Variant Classification Sherloc (09022015). Collection method: clinical testing. Allele origin: germline.
Comment: In summary, the available evidence is currently insufficient to determine the role of this variant in disease. Therefore, it has been classified as a Variant of Uncertain Significance. Algorithms developed to predict the effect of missense changes on protein structure and function are either unavailable or do not agree on the potential impact of this missense change (SIFT: "Deleterious"; PolyPhen-2: "Possibly Damaging"; Align-GVGD: "Class C0"). ClinVar contains an entry for this variant (Variation ID: 653608). This variant has not been reported in the literature in individuals affected with PRX-related conditions. This variant is present in population databases (rs541455813, gnomAD 0.006%). This sequence change replaces aspartic acid, which is acidic and polar, with asparagine, which is neutral and polar, at codon 765 of the PRX protein (p.Asp765Asn).